The following is an entry in ClinVar:

ClinVar aggregate classification (germline): Uncertain significance (1 of 4 stars; one submission).

Conditions:
Alpha thalassemia-X-linked intellectual disability syndrome (ATRX). Also called: ALPHA-THALASSEMIA/MENTAL RETARDATION SYNDROME, X-LINKED; ATR, NONDELETION TYPE; ATR-X syndrome; Alpha thalassemia mental retardation syndrome, nondeletion type, X-linked; XLMR hypotonic face syndrome; X-linked alpha-thalassemia-mental retardation syndrome. Identifiers: Orphanet 847, MedGen C1845055, MONDO:0010519, OMIM 301040.

Submission:

3billion
Classification: Uncertain significance for Alpha thalassemia-X-linked intellectual disability syndrome. Last evaluated: 2024-01-25. Review status: criteria provided, single submitter. Criteria: ACMG Guidelines, 2015. Collection method: clinical testing. Allele origin: germline. Affected: yes.
Comment: The variant is not observed in the gnomAD v2.1.1 dataset. Predicted Consequence/Location: Missense variant In silico tool predictions suggest damaging effect of the variant on gene or gene product [REVEL: 0.88 (>=0.6, sensitivity 0.68 and specificity 0.92); 3Cnet: 0.85 (>=0.6, sensitivity 0.72 and precision 0.9)]. Therefore, this variant is classified as VUS according to the recommendation of ACMG/AMP guideline.

NM_000489.6(ATRX):c.815C>T (p.Pro272Leu)

Gene: ATRX (ATRX chromatin remodeler; minus strand). Cytogenetic location: Xq21.1.
Variant type: single nucleotide variant.
Coding change: c.815C>T on transcript NM_000489.6 (MANE Select); coding-DNA position 815, C replaced by T.
Protein change: p.Pro272Leu; replaces proline 272 with leucine.
Molecular consequence: missense variant.
Genome position (GRCh38, 1-based): chrX:77,684,441, G>A on the plus strand (C>T on the coding strand, the complement: ATRX is on the minus strand). VCF-style: chrX-77684441-G-A. GRCh37 (hg19) VCF-style: chrX-76939933-G-A.
Other names: c.701C>T, p.Pro234Leu (NM_138270.5); short protein forms P234L, P272L.
Identifiers: ClinVar variation 3775874 (VCV003775874.1).